The following is an entry in ClinVar:

NM_000231.3(SGCG):c.196-300C>G

Gene: SGCG (sarcoglycan gamma; plus strand). Cytogenetic location: 13q12.12.
Variant type: single nucleotide variant.
Coding change: c.196-300C>G on transcript NM_000231.3 (MANE Select); 300 bases into the intron before coding-DNA position 196, C replaced by G.
Molecular consequence: intron variant.
Genome position (GRCh38, 1-based): chr13:23,234,311, C>G. VCF-style: chr13-23234311-C-G. GRCh37 (hg19) VCF-style: chr13-23808450-C-G.
Other names: c.250-300C>G (NM_001378244.1); c.196-300C>G (NM_001378245.1, NM_001378246.1).
Identifiers: ClinVar variation 671792 (VCV000671792.1), dbSNP rs71429830, ClinGen allele CA246643563.
Genomic context (GRCh38, chr13:23,234,311, plus strand): 5'-TCTATATATGTGTTAAAACTCATAGACCTGTACACCTCAAAACAATTAATTTTATTGTAC[C>G]TTAATTTAATTTTTTTTAAAAAAATGGATTCTTTTTCTTACATGGTGATGGGCTCTTGAG-3'

ClinVar aggregate classification (germline): Benign (1 of 4 stars; one submission).

Allele frequency attached by ClinVar (database versions not stated): 1000 Genomes Project 0.16054; TOPMed 0.14488.
gnomAD v4.1: 23,434 of 151,854 alleles (15%); highest among the groups gnomAD compares: East Asian, 29%; 1,843 homozygotes.

Submission:

GeneDx
Classification: Benign. Last evaluated: 2018-06-19. Review status: criteria provided, single submitter. Criteria: GeneDx Variant Classification (06012015). Collection method: clinical testing. Allele origin: germline. Affected: yes.
Comment: This variant is considered likely benign or benign based on one or more of the following criteria: it is a conservative change, it occurs at a poorly conserved position in the protein, it is predicted to be benign by multiple in silico algorithms, and/or has population frequency not consistent with disease.